The following is an entry in ClinVar:

ClinVar aggregate classification (germline): Uncertain significance (1 of 4 stars; one submission).

Allele frequency attached by ClinVar (database versions not stated): gnomAD exomes below 0.00001; ExAC 0.00001.
gnomAD v4.1: 2 of 1,613,992 alleles (0.00012%); highest among the groups gnomAD compares: South Asian, 0.0022%; no homozygotes.

Submission:

Labcorp Genetics (formerly Invitae), Labcorp
Classification: Uncertain significance. Last evaluated: 2021-12-20. Review status: criteria provided, single submitter. Criteria: Invitae Variant Classification Sherloc (09022015). Collection method: clinical testing. Allele origin: germline.
Comment: This sequence change replaces alanine, which is neutral and non-polar, with valine, which is neutral and non-polar, at codon 1998 of the VCAN protein (p.Ala1998Val). This variant is present in population databases (rs748494056, gnomAD 0.006%). In summary, the available evidence is currently insufficient to determine the role of this variant in disease. Therefore, it has been classified as a Variant of Uncertain Significance. Algorithms developed to predict the effect of missense changes on protein structure and function are either unavailable or do not agree on the potential impact of this missense change (SIFT: "Deleterious"; PolyPhen-2: "Possibly Damaging"; Align-GVGD: "Class C15"). This variant has not been reported in the literature in individuals affected with VCAN-related conditions.

NM_004385.5(VCAN):c.5993C>T (p.Ala1998Val)

Genes: VCAN (versican; plus strand), VCAN-AS1 (VCAN antisense RNA 1; minus strand). Cytogenetic location: 5q14.3.
Variant type: single nucleotide variant.
Coding change: c.5993C>T on transcript NM_004385.5 (MANE Select); coding-DNA position 5993, C replaced by T.
Protein change: p.Ala1998Val; replaces alanine 1998 with valine.
Molecular consequence: missense variant. On other transcripts: intron variant (2).
Genome position (GRCh38, 1-based): chr5:83,538,996, C>T. VCF-style: chr5-83538996-C-T. GRCh37 (hg19) VCF-style: chr5-82834815-C-T.
Other names: c.3032C>T, p.Ala1011Val (NM_001164097.2); c.4004-6541C>T (NM_001164098.2); c.1043-6541C>T (NM_001126336.3); short protein forms A1998V, A1011V.
Identifiers: ClinVar variation 2050016 (VCV002050016.4), dbSNP rs748494056, ClinGen allele CA3333406.